The following is an entry in ClinVar:

NM_000059.4(BRCA2):c.758G>A (p.Ser253Asn)

Gene: BRCA2 (BRCA2 DNA repair associated; plus strand). Cytogenetic location: 13q13.1.
Variant type: single nucleotide variant.
Coding change: c.758G>A on transcript NM_000059.4 (MANE Select); coding-DNA position 758, G replaced by A.
Protein change: p.Ser253Asn; replaces serine 253 with asparagine.
Molecular consequence: missense variant.
Genome position (GRCh38, 1-based): chr13:32,330,995, G>A. VCF-style: chr13-32330995-G-A. GRCh37 (hg19) VCF-style: chr13-32905132-G-A.
Other names: short protein forms S253N.
Identifiers: ClinVar variation 658739 (VCV000658739.10), dbSNP rs1593890321, ClinGen allele CA387760121.

ClinVar aggregate classification (germline): Uncertain significance. Review status: criteria provided, multiple submitters, no conflicts (2 of 4 stars). 2 submissions from 2 submitters: Uncertain significance (2). Last evaluated 2024-01-11.

Conditions:
Hereditary breast ovarian cancer syndrome. Also called: Hereditary breast and/or ovarian cancer syndrome; BRCA1- and BRCA2-Associated Hereditary Breast and Ovarian Cancer; Hereditary breast and ovarian cancer syndrome; Hereditary breast and ovarian cancer; Hereditary breast and ovarian cancer syndrome (HBOC); Breast and ovarian cancer. Identifiers: Orphanet 145, MedGen C0677776, MeSH D061325, MONDO:0003582. Disease mechanism: loss of function.
Breast-ovarian cancer, familial, susceptibility to, 2 (BROVCA2). Also called: BRCA2 Hereditary Breast and Ovarian Cancer. Identifiers: Orphanet 145, MedGen C2675520, MONDO:0012933, OMIM 612555. Disease mechanism: loss of function.
Wilms tumor 1 (WT1). Also called: Wilms tumor, somatic. Identifiers: Orphanet 654, MedGen CN033288, MONDO:0008679, OMIM 194070.
Pancreatic cancer, susceptibility to, 2. Identifiers: Orphanet 1333, MedGen C3150546, MONDO:0013235, OMIM 613347.
Glioma susceptibility 3 (GLM3). Also called: Glioblastoma 3. Identifiers: Orphanet 182067, Orphanet 360, MedGen C2751641, MONDO:0013093, OMIM 613029.
Familial prostate cancer. Also called: Hereditary Prostate Cancer. Identifiers: MedGen C2931456, MONDO:0700275, OMIM 176807.
Familial cancer of breast. Also called: Hereditary breast cancer; BREAST CANCER, FAMILIAL; hereditary breast carcinoma. Identifiers: Orphanet 227535, MedGen C0346153, MONDO:0016419, OMIM 114480. Disease mechanism: loss of function.
Medulloblastoma (MDB). Also called: MEDULLOBLASTOMA PREDISPOSITION SYNDROME; Medulloblastoma, somatic. Identifiers: Orphanet 616, MedGen C0025149, MeSH D008527, MONDO:0007959, OMIM 155255, HP:0002885.
Fanconi anemia complementation group D1. Also called: BRCA2-Related Fanconi Anemia. Identifiers: Orphanet 319462, MedGen C1838457, MONDO:0011584, OMIM 605724.

Submissions (2):

Fulgent Genetics
Classification: Uncertain significance for Familial cancer of breast; Medulloblastoma; Familial prostate cancer; Wilms tumor 1; Fanconi anemia complementation group D1; Breast-ovarian cancer, familial, susceptibility to, 2; Glioma susceptibility 3; Pancreatic cancer, susceptibility to, 2. Last evaluated: 2024-01-11. Review status: criteria provided, single submitter. Criteria: ACMG Guidelines, 2015. Collection method: clinical testing. Allele origin: germline.

Labcorp Genetics (formerly Invitae), Labcorp
Classification: Uncertain significance for Hereditary breast ovarian cancer syndrome. Last evaluated: 2018-08-20. Review status: criteria provided, single submitter. Criteria: Invitae Variant Classification Sherloc (09022015). Collection method: clinical testing. Allele origin: germline.
Comment: This variant is not present in population databases (ExAC no frequency). This sequence change replaces serine with asparagine at codon 253 of the BRCA2 protein (p.Ser253Asn). The serine residue is weakly conserved and there is a small physicochemical difference between serine and asparagine. Algorithms developed to predict the effect of missense changes on protein structure and function output the following: SIFT: "Tolerated"; PolyPhen-2: "Benign"; Align-GVGD: "Class C0". The asparagine amino acid residue is found in multiple mammalian species, suggesting that this missense change does not adversely affect protein function. These predictions have not been confirmed by published functional studies and their clinical significance is uncertain. In summary, the available evidence is currently insufficient to determine the role of this variant in disease. Therefore, it has been classified as a Variant of Uncertain Significance. This variant has not been reported in the literature in individuals with BRCA2-related disease.